The following is an entry in ClinVar:

NM_000283.4(PDE6B):c.1403C>T (p.Pro468Leu)

Gene: PDE6B (phosphodiesterase 6B; plus strand). Cytogenetic location: 4p16.3.
Variant type: single nucleotide variant.
Coding change: c.1403C>T on transcript NM_000283.4 (MANE Select); coding-DNA position 1403, C replaced by T.
Protein change: p.Pro468Leu; replaces proline 468 with leucine.
Molecular consequence: missense variant.
Genome position (GRCh38, 1-based): chr4:658,953, C>T. VCF-style: chr4-658953-C-T. GRCh37 (hg19) VCF-style: chr4-652742-C-T.
Other names: c.1403C>T, p.Pro468Leu (NM_001145291.2); c.566C>T, p.Pro189Leu (NM_001145292.2, NM_001350154.3, NM_001379246.1 and 1 more transcripts); c.248C>T, p.Pro83Leu (NM_001350155.3); short protein forms P468L, P83L, P189L.
Identifiers: ClinVar variation 1375982 (VCV001375982.9), dbSNP rs1420482878, ClinGen allele CA355915300.

ClinVar aggregate classification (germline): Uncertain significance. Review status: criteria provided, single submitter (1 of 4 stars). 2 submissions from 2 submitters: Uncertain significance (1). 1 of the submissions does not count toward it. Last evaluated 2021-05-18.

Conditions:
Retinal dystrophy. Also called: Inherited retinal dystrophy. Identifiers: Orphanet 71862, MedGen C0854723, MeSH D058499, MONDO:0019118, HP:0000556.

Allele frequency attached by ClinVar (database versions not stated): gnomAD exomes below 0.00001; TOPMed below 0.00001.
gnomAD v4.1: 3 of 1,611,196 alleles (0.00019%); highest among the groups gnomAD compares: Non-Finnish European, 0.00025%; no homozygotes.

Submissions (2):

Labcorp Genetics (formerly Invitae), Labcorp
Classification: Uncertain significance. Last evaluated: 2021-05-18. Review status: criteria provided, single submitter. Criteria: Invitae Variant Classification Sherloc (09022015). Collection method: clinical testing. Allele origin: germline.
Comment: This sequence change replaces proline with leucine at codon 468 of the PDE6B protein (p.Pro468Leu). The proline residue is highly conserved and there is a moderate physicochemical difference between proline and leucine. This variant is not present in population databases (ExAC no frequency). This variant has been observed in individual(s) with retinitis pigmentosa (Invitae). In at least one individual the data is consistent with the variant being in trans (on the opposite chromosome) from a pathogenic variant. Algorithms developed to predict the effect of missense changes on protein structure and function are either unavailable or do not agree on the potential impact of this missense change (SIFT: "Deleterious"; PolyPhen-2: "Possibly Damaging"; Align-GVGD: "Class C0"). In summary, the available evidence is currently insufficient to determine the role of this variant in disease. Therefore, it has been classified as a Variant of Uncertain Significance.

Institute of Human Genetics, Univ. Regensburg, Univ. Regensburg
Classification: Likely pathogenic for Retinal dystrophy. Last evaluated: 2020-01-01. Review status: no assertion criteria provided. Criteria: ACMG Guidelines, 2015. Collection method: clinical testing. Allele origin: germline. Affected: yes. Not counted in ClinVar's aggregate classification.